The following is an entry in ClinVar:

NM_014444.5(TUBGCP4):c.242T>G (p.Leu81Ter)

Gene: TUBGCP4 (tubulin gamma complex component 4; plus strand). Cytogenetic location: 15q15.3.
Variant type: single nucleotide variant.
Coding change: c.242T>G on transcript NM_014444.5 (MANE Select); coding-DNA position 242, T replaced by G.
Protein change: p.Leu81Ter; replaces leucine 81 with a stop codon.
Molecular consequence: nonsense.
Genome position (GRCh38, 1-based): chr15:43,376,537, T>G. VCF-style: chr15-43376537-T-G. GRCh37 (hg19) VCF-style: chr15-43668735-T-G.
Other names: c.242T>G, p.Leu81Ter (NM_001286414.3); short protein forms L81*.
Identifiers: ClinVar variation 4773348 (VCV004773348.1).

ClinVar aggregate classification (germline): Pathogenic (1 of 4 stars; one submission).

gnomAD v4.1: 1 of 1,614,244 alleles (0.000062%); highest among the groups gnomAD compares: African/African-American, 0.0013%; no homozygotes.

Submission:

Labcorp Genetics (formerly Invitae), Labcorp
Classification: Pathogenic. Last evaluated: 2025-04-03. Review status: criteria provided, single submitter. Criteria: Invitae Variant Classification Sherloc (09022015). Collection method: clinical testing. Allele origin: germline.
Comment: This sequence change creates a premature translational stop signal (p.Leu81*) in the TUBGCP4 gene. It is expected to result in an absent or disrupted protein product. Loss-of-function variants in TUBGCP4 are known to be pathogenic (PMID: 25817018). This variant is present in population databases (rs533037994, gnomAD 0.008%). This variant has not been reported in the literature in individuals affected with TUBGCP4-related conditions. For these reasons, this variant has been classified as Pathogenic.

Literature cited by the submitters: PubMed 25817018.